The following is an entry in ClinVar:

ClinVar aggregate classification (germline): Uncertain significance. Review status: criteria provided, multiple submitters, no conflicts (2 of 4 stars). 3 submissions from 3 submitters: Uncertain significance (3). Last evaluated 2024-02-24.

Conditions:
Familial cancer of breast. Also called: BREAST CANCER, FAMILIAL; Hereditary breast cancer; hereditary breast carcinoma. Identifiers: Orphanet 227535, MedGen C0346153, MONDO:0016419, OMIM 114480. Disease mechanism: loss of function.
Hereditary cancer-predisposing syndrome. Also called: Tumor predisposition; Neoplastic Syndromes, Hereditary; Hereditary neoplastic syndrome; Hereditary Cancer Syndrome. Identifiers: Orphanet 140162, MedGen C0027672, MeSH D009386, MONDO:0015356.

Submissions (3):

Ambry Genetics
Classification: Uncertain significance for Hereditary cancer-predisposing syndrome. Last evaluated: 2024-02-24. Review status: criteria provided, single submitter. Criteria: Ambry Variant Classification Scheme 2023. Collection method: clinical testing. Allele origin: germline.
Comment: The p.R49C variant (also known as c.145C>T), located in coding exon 1 of the BARD1 gene, results from a C to T substitution at nucleotide position 145. The arginine at codon 49 is replaced by cysteine, an amino acid with highly dissimilar properties. This amino acid position is conserved. In addition, this alteration is predicted to be tolerated by in silico analysis. Based on the available evidence, the clinical significance of this alteration remains unclear.

GeneDx
Classification: Uncertain significance. Last evaluated: 2022-09-23. Review status: criteria provided, single submitter. Criteria: GeneDx Variant Classification Process June 2021. Collection method: clinical testing. Allele origin: germline. Affected: yes.
Comment: Not observed at significant frequency in large population cohorts (gnomAD); In silico analysis supports that this missense variant does not alter protein structure/function; Has not been previously published as pathogenic or benign to our knowledge; This variant is associated with the following publications: (PMID: 18480049)

Labcorp Genetics (formerly Invitae), Labcorp
Classification: Uncertain significance for Familial cancer of breast. Last evaluated: 2021-09-29. Review status: criteria provided, single submitter. Criteria: Invitae Variant Classification Sherloc (09022015). Collection method: clinical testing. Allele origin: germline.
Comment: This variant has not been reported in the literature in individuals affected with BARD1-related conditions. In summary, the available evidence is currently insufficient to determine the role of this variant in disease. Therefore, it has been classified as a Variant of Uncertain Significance. Algorithms developed to predict the effect of missense changes on protein structure and function (SIFT, PolyPhen-2, Align-GVGD) all suggest that this variant is likely to be tolerated. This variant is not present in population databases (ExAC no frequency). This sequence change replaces arginine with cysteine at codon 49 of the BARD1 protein (p.Arg49Cys). The arginine residue is moderately conserved and there is a large physicochemical difference between arginine and cysteine.

NM_000465.4(BARD1):c.145C>T (p.Arg49Cys)

Gene: BARD1 (BRCA1 associated RING domain 1; minus strand). Cytogenetic location: 2q35.
Variant type: single nucleotide variant.
Coding change: c.145C>T on transcript NM_000465.4 (MANE Select); coding-DNA position 145, C replaced by T.
Protein change: p.Arg49Cys; replaces arginine 49 with cysteine.
Molecular consequence: missense variant. On other transcripts: non-coding transcript variant (3).
Genome position (GRCh38, 1-based): chr2:214,809,425, G>A on the plus strand (C>T on the coding strand, the complement: BARD1 is on the minus strand). VCF-style: chr2-214809425-G-A. GRCh37 (hg19) VCF-style: chr2-215674149-G-A.
Other names: c.145C>T (NM_000465.2); c.145C>T, p.Arg49Cys (NM_001282543.2, NM_001282545.2, NM_001282548.2 and 1 more transcripts); short protein forms R49C.
Identifiers: ClinVar variation 850941 (VCV000850941.10), dbSNP rs1696453597, ClinGen allele CA350464789.